The following is an entry in ClinVar:

ClinVar aggregate classification (germline): Uncertain significance. Review status: criteria provided, multiple submitters, no conflicts (2 of 4 stars). 2 submissions from 2 submitters: Uncertain significance (2). Last evaluated 2023-11-14.

Conditions:
Dilated cardiomyopathy 1KK (CMD1KK). Identifiers: Orphanet 154, Orphanet 75249, MedGen C3714995, MONDO:0014100, OMIM 615248.
Cardiovascular phenotype. Identifiers: MedGen CN230736.

Allele frequency attached by ClinVar (database versions not stated): gnomAD 0.00001; TOPMed 0.00002.
gnomAD v4.1: 5 of 1,613,878 alleles (0.00031%); highest among the groups gnomAD compares: East Asian, 0.0067%; no homozygotes.

Submissions (2):

Ambry Genetics
Classification: Uncertain significance for Cardiovascular phenotype. Last evaluated: 2023-11-14. Review status: criteria provided, single submitter. Criteria: Ambry Variant Classification Scheme 2023. Collection method: clinical testing. Allele origin: germline.
Comment: The p.P649A variant (also known as c.1945C>G), located in coding exon 9 of the MYPN gene, results from a C to G substitution at nucleotide position 1945. The proline at codon 649 is replaced by alanine, an amino acid with highly similar properties. This amino acid position is conserved. In addition, the in silico prediction for this alteration is inconclusive. Since supporting evidence is limited at this time, the clinical significance of this alteration remains unclear.

Labcorp Genetics (formerly Invitae), Labcorp
Classification: Uncertain significance for Dilated cardiomyopathy 1KK. Last evaluated: 2022-09-07. Review status: criteria provided, single submitter. Criteria: Invitae Variant Classification Sherloc (09022015). Collection method: clinical testing. Allele origin: germline.
Comment: In summary, the available evidence is currently insufficient to determine the role of this variant in disease. Therefore, it has been classified as a Variant of Uncertain Significance. Algorithms developed to predict the effect of missense changes on protein structure and function (SIFT, PolyPhen-2, Align-GVGD) all suggest that this variant is likely to be disruptive. ClinVar contains an entry for this variant (Variation ID: 1015070). This variant has not been reported in the literature in individuals affected with MYPN-related conditions. The frequency data for this variant in the population databases is considered unreliable, as metrics indicate poor data quality at this position in the gnomAD database. This sequence change replaces proline, which is neutral and non-polar, with alanine, which is neutral and non-polar, at codon 649 of the MYPN protein (p.Pro649Ala).

NM_032578.4(MYPN):c.1945C>G (p.Pro649Ala)

Gene: MYPN (myopalladin; plus strand). Cytogenetic location: 10q21.3.
Variant type: single nucleotide variant.
Coding change: c.1945C>G on transcript NM_032578.4 (MANE Select); coding-DNA position 1945, C replaced by G.
Protein change: p.Pro649Ala; replaces proline 649 with alanine.
Molecular consequence: missense variant. On other transcripts: non-coding transcript variant (2).
Genome position (GRCh38, 1-based): chr10:68,166,638, C>G. VCF-style: chr10-68166638-C-G. GRCh37 (hg19) VCF-style: chr10-69926395-C-G.
Other names: c.1945C>G, p.Pro649Ala (NM_001256267.2); c.1063C>G, p.Pro355Ala (NM_001256268.2); c.1945C>G (NM_032578.2); short protein forms P355A, P649A.
Identifiers: ClinVar variation 1015070 (VCV001015070.9), dbSNP rs761893396, ClinGen allele CA5522688.